The following is an entry in ClinVar:

NM_031263.4(HNRNPK):c.66_95del (p.Pro23_Ala32del)

Gene: HNRNPK (heterogeneous nuclear ribonucleoprotein K; minus strand). Cytogenetic location: 9q21.32.
Variant type: Deletion.
Coding change: c.66_95del on transcript NM_031263.4 (MANE Select); coding-DNA positions 66 to 95, 30 bases deleted (CCCTGCAGAAGATATGGAAGAGGAACAAGC).
Protein change: p.Pro23_Ala32del.
Molecular consequence: inframe deletion.
Genome position (GRCh38, 1-based): chr9:83,977,750-83,977,779, GCTTGTTCCTCTTCCATATCTTCTGCAGGG deleted on the plus strand (CCCTGCAGAAGATATGGAAGAGGAACAAGC on the coding strand, the reverse complement: HNRNPK is on the minus strand). VCF-style (leftmost placement, unchanged base first): chr9-83977749-TGCTTGTTCCTCTTCCATATCTTCTGCAGGG-T. GRCh37 (hg19) VCF-style: chr9-86592664-TGCTTGTTCCTCTTCCATATCTTCTGCAGGG-T.
Other names: c.66_95del, p.Pro23_Ala32del (NM_001318186.2, NM_001318187.2, NM_001318188.2 and 2 more transcripts); c.66_95del30 (NM_002140.5).
Identifiers: ClinVar variation 3233829 (VCV003233829.2), dbSNP rs2492023267, ClinGen allele CA2825001632.

ClinVar aggregate classification (germline): Likely pathogenic (1 of 4 stars; one submission).

Conditions:
Au-Kline syndrome. Also called: Neurodevelopmental disorder-craniofacial dysmorphism-cardiac defect-hip dysplasia syndrome due to a point mutation; Okamoto syndrome. Identifiers: Orphanet 2729, Orphanet 453499, Orphanet 453504, MedGen C4225274, MONDO:0014700, OMIM 616580.

Submission:

Women's Health and Genetics/Laboratory Corporation of America, LabCorp
Classification: Likely pathogenic for Au-Kline syndrome. Last evaluated: 2024-03-21. Review status: criteria provided, single submitter. Criteria: LabCorp Variant Classification Summary - May 2015. Collection method: clinical testing. Allele origin: germline.
Comment: Variant summary: HNRNPK c.66_95del30 (p.Pro23_Ala32del) results in an in-frame deletion that is predicted to remove 10 amino acids in the ROK, N-terminal domain (IPR012987) from the encoded protein. The variant was absent in 250508 control chromosomes. The available data on variant occurrences in the general population are insufficient to allow any conclusion about variant significance. To our knowledge, no occurrence of c.66_95del30 in individuals affected with Au-Kline Syndrome and no experimental evidence demonstrating its impact on protein function have been reported. Within the deleted region, c.65G>A (p.Arg22His) has been evaluated Likely Pathogenic in ClinVar (Variation ID: 520659). No submitters have cited clinical-significance assessments for this variant to ClinVar. Based on the evidence outlined above, the variant was classified as Likely Pathogenic.